The following is an entry in ClinVar:

ClinVar aggregate classification (germline): Conflicting classifications of pathogenicity. Review status: criteria provided, conflicting classifications (1 of 4 stars). 5 submissions from 4 submitters: Uncertain significance (3); Likely benign (2). Last evaluated 2026-01-25.

Conditions:
Hereditary cancer-predisposing syndrome. Also called: Hereditary Cancer Syndrome; Neoplastic Syndromes, Hereditary; Tumor predisposition; Hereditary neoplastic syndrome. Identifiers: Orphanet 140162, MedGen C0027672, MeSH D009386, MONDO:0015356.
Cardiovascular phenotype. Identifiers: MedGen CN230736.
Neurofibromatosis, type 1 (NF1). Also called: NEUROFIBROMATOSIS, TYPE I, SOMATIC; VON RECKLINGHAUSEN DISEASE; Peripheral type neurofibromatosis; Neurofibromatosis, type I. Identifiers: Orphanet 636, MedGen C0027831, MONDO:0018975, OMIM 162200. Disease mechanism: loss of function.

Allele frequency attached by ClinVar (database versions not stated): gnomAD 0.00001; gnomAD exomes 0.00001; TOPMed 0.00001; ExAC 0.00002.
gnomAD v4.1: 38 of 1,613,738 alleles (0.0024%); highest among the groups gnomAD compares: Non-Finnish European, 0.0032%; no homozygotes.

Submissions (5):

Labcorp Genetics (formerly Invitae), Labcorp
Classification: Likely benign for Neurofibromatosis, type 1. Last evaluated: 2026-01-25. Review status: criteria provided, single submitter. Criteria: Invitae Variant Classification Sherloc (09022015). Collection method: clinical testing. Allele origin: germline.

Quest Diagnostics Nichols Institute San Juan Capistrano
Classification: Uncertain significance. Last evaluated: 2025-01-09. Review status: criteria provided, single submitter. Criteria: Quest Diagnostics criteria. Collection method: clinical testing. Allele origin: unknown.

Ambry Genetics
Classification: Likely benign for Cardiovascular phenotype; Hereditary cancer-predisposing syndrome. Last evaluated: 2022-10-26. Review status: criteria provided, single submitter. Criteria: Ambry Variant Classification Scheme 2023. Collection method: clinical testing. Allele origin: germline.

GeneDx
Classification: Uncertain significance. Last evaluated: 2022-02-14. Review status: criteria provided, single submitter. Criteria: GeneDx Variant Classification Process June 2021. Collection method: clinical testing. Allele origin: germline. Affected: yes.
Comment: In silico analysis, which includes protein predictors and evolutionary conservation, supports that this variant does not alter protein structure/function; Has not been previously published as pathogenic or benign to our knowledge

Ambry Genetics
Classification: Uncertain significance for Hereditary cancer-predisposing syndrome. Last evaluated: 2016-02-11. Review status: criteria provided, single submitter. Criteria: Ambry Autosomal Dominant and X-Linked criteria (10/2015). Collection method: clinical testing. Allele origin: germline. Observed: 1 variant allele.
Comment: The p.T2581S variant (also known as c.7742C>G), located in coding exon 53 of the NF1 gene, results from a C to G substitution at nucleotide position 7742. The threonine at codon 2581 is replaced by serine, an amino acid with similar properties. This variant was not reported in population based cohorts in the following databases: Database of Single Nucleotide Polymorphisms (dbSNP), NHLBI Exome Sequencing Project (ESP), and 1000 Genomes Project. In the ESP, this variant was not observed in 6503 samples (13006 alleles) with coverage at this position. To date, this alteration has been detected with an allele frequency of approximately 0.003% (greater than 11000 alleles tested) in our clinical cohort. This amino acid position is highly conserved in available vertebrate species. In addition, this alteration is predicted to be tolerated by in silico analysis. Since supporting evidence is limited at this time, the clinical significance of p.T2581S remains unclear.

NM_001042492.3(NF1):c.7742C>G (p.Thr2581Ser)

Gene: NF1 (neurofibromin 1; plus strand). Cytogenetic location: 17q11.2.
Variant type: single nucleotide variant.
Coding change: c.7742C>G on transcript NM_001042492.3 (MANE Select); coding-DNA position 7742, C replaced by G.
Protein change: p.Thr2581Ser; replaces threonine 2581 with serine.
Molecular consequence: missense variant.
Genome position (GRCh38, 1-based): chr17:31,356,963, C>G. VCF-style: chr17-31356963-C-G. GRCh37 (hg19) VCF-style: chr17-29683981-C-G.
Other names: c.7679C>G, p.Thr2560Ser (NM_000267.4); short protein forms T2560S, T2581S.
Identifiers: ClinVar variation 186257 (VCV000186257.17), dbSNP rs757632129, ClinGen allele CA194270.
Genomic context (GRCh38, chr17:31,356,963, plus strand): 5'-GTTAGGTGAAGTGATTATCCAGGTGTTTGATCACGTTAATTCCCTATCTTGCTGCAGAAA[C>G]TCAGAGGATTTCCTCATCACAACAGCACCCACATTTACGTAAAGTTTCAGTGTCTGAATC-3'
Protein context (NP_001035957.1, residues 2571-2591): RVAETDYEME[Thr2581Ser]QRISSSQQHP